The following is an entry in ClinVar:

ClinVar aggregate classification (germline): Pathogenic/Likely pathogenic. Review status: criteria provided, multiple submitters, no conflicts (2 of 4 stars). 2 submissions from 2 submitters: Pathogenic (1); Likely pathogenic (1). Last evaluated 2023-12-11.

Conditions:
COL18A1-related disorder. Also called: COL18A1-related disorders; COL18A1-related condition.

Submissions (2):

Labcorp Genetics (formerly Invitae), Labcorp
Classification: Pathogenic. Last evaluated: 2023-12-11. Review status: criteria provided, single submitter. Criteria: Invitae Variant Classification Sherloc (09022015). Collection method: clinical testing. Allele origin: germline.
Comment: This sequence change creates a premature translational stop signal (p.Glu926Glyfs*158) in the COL18A1 gene. It is expected to result in an absent or disrupted protein product. Loss-of-function variants in COL18A1 are known to be pathogenic (PMID: 12415512, 25456301). This variant is present in population databases (rs747526674, gnomAD 0.0009%). This variant has not been reported in the literature in individuals affected with COL18A1-related conditions. ClinVar contains an entry for this variant (Variation ID: 1446426). For these reasons, this variant has been classified as Pathogenic.

Blueprint Genetics
Classification: Likely pathogenic for COL18A1-related disorders. Last evaluated: 2020-11-19. Review status: criteria provided, single submitter. Criteria: ACMG Guidelines, 2015. Collection method: clinical testing. Allele origin: germline. Affected: yes. Observed: 1 variant allele.

Literature cited by the submitters: PubMed 12415512 (cited by Labcorp Genetics (formerly Invitae), Labcorp); PubMed 25456301 (cited by Labcorp Genetics (formerly Invitae), Labcorp).

NM_001379500.1(COL18A1):c.2776dup (p.Glu926fs)

Genes: COL18A1 (collagen type XVIII alpha 1 chain; plus strand), SLC19A1 (solute carrier family 19 member 1; minus strand). Cytogenetic location: 21q22.3.
Variant type: Duplication.
Coding change: c.2776dup on transcript NM_001379500.1 (MANE Select); coding-DNA position 2776, one base duplicated (G; older notation c.2776dupG).
Protein change: p.Glu926fs; shifts the reading frame from glutamic acid 926.
Molecular consequence: frameshift variant.
Genome position (GRCh38, 1-based): chr21:45,504,464, G duplicated; the last of 6 consecutive G bases (chr21:45,504,459-45,504,464); duplicating any one gives the same sequence. VCF-style (leftmost placement, unchanged base first): chr21-45504458-A-AG. GRCh37 (hg19) VCF-style: chr21-46924372-A-AG.
Other names: c.3316dup, p.Glu1106fs (NM_030582.4); c.4021dup, p.Glu1341fs (NM_130444.3); short protein forms E1106fs, E926fs, E1341fs.
Identifiers: ClinVar variation 1446426 (VCV001446426.7), dbSNP rs747526674, ClinGen allele CA10067451.